The following is an entry in ClinVar:

NM_000465.4(BARD1):c.1706C>G (p.Pro569Arg)

Gene: BARD1 (BRCA1 associated RING domain 1; minus strand). Cytogenetic location: 2q35.
Variant type: single nucleotide variant.
Coding change: c.1706C>G on transcript NM_000465.4 (MANE Select); coding-DNA position 1706, C replaced by G.
Protein change: p.Pro569Arg; replaces proline 569 with arginine.
Molecular consequence: missense variant. On other transcripts: non-coding transcript variant (3), intron variant (1).
Genome position (GRCh38, 1-based): chr2:214,745,826, G>C on the plus strand (C>G on the coding strand, the complement: BARD1 is on the minus strand). VCF-style: chr2-214745826-G-C. GRCh37 (hg19) VCF-style: chr2-215610550-G-C.
Other names: c.1649C>G, p.Pro550Arg (NM_001282543.2); c.353C>G, p.Pro118Arg (NM_001282545.2); c.296C>G, p.Pro99Arg (NM_001282548.2); c.365-15318C>G (NM_001282549.2); short protein forms P118R, P550R, P569R, P99R.
Identifiers: ClinVar variation 1778451 (VCV001778451.2), dbSNP rs1693085872, ClinGen allele CA350453232.

ClinVar aggregate classification (germline): Uncertain significance (1 of 4 stars; one submission).

Conditions:
Hereditary cancer-predisposing syndrome. Also called: Neoplastic Syndromes, Hereditary; Tumor predisposition; Hereditary Cancer Syndrome; Hereditary neoplastic syndrome. Identifiers: Orphanet 140162, MedGen C0027672, MeSH D009386, MONDO:0015356.

Submission:

Ambry Genetics
Classification: Uncertain significance for Hereditary cancer-predisposing syndrome. Last evaluated: 2020-09-14. Review status: criteria provided, single submitter. Criteria: Ambry Variant Classification Scheme 2023. Collection method: clinical testing. Allele origin: germline.
Comment: The p.P569R variant (also known as c.1706C>G), located in coding exon 8 of the BARD1 gene, results from a C to G substitution at nucleotide position 1706. The proline at codon 569 is replaced by arginine, an amino acid with dissimilar properties. This amino acid position is highly conserved in available vertebrate species. In addition, the in silico prediction for this alteration is inconclusive. Since supporting evidence is limited at this time, the clinical significance of this alteration remains unclear.